The following is an entry in ClinVar:

ClinVar aggregate classification (germline): Uncertain significance. Review status: criteria provided, multiple submitters, no conflicts (2 of 4 stars). 2 submissions from 2 submitters: Uncertain significance (2). Last evaluated 2024-07-11.

Conditions:
Fanconi anemia (FA). Also called: Fanconi's anemia. Identifiers: Orphanet 84, MedGen C0015625, MeSH D005199, MONDO:0019391.
Hereditary cancer-predisposing syndrome. Also called: Neoplastic Syndromes, Hereditary; Tumor predisposition; Hereditary Cancer Syndrome; Hereditary neoplastic syndrome. Identifiers: Orphanet 140162, MedGen C0027672, MeSH D009386, MONDO:0015356.

Allele frequency attached by ClinVar (database versions not stated): gnomAD exomes below 0.00001; TOPMed below 0.00001.
gnomAD v4.1: 1 of 1,614,038 alleles (0.000062%); highest among the groups gnomAD compares: East Asian, 0.0022%; no homozygotes.

Submissions (2):

Labcorp Genetics (formerly Invitae), Labcorp
Classification: Uncertain significance for Fanconi anemia. Last evaluated: 2024-07-11. Review status: criteria provided, single submitter. Criteria: Invitae Variant Classification Sherloc (09022015). Collection method: clinical testing. Allele origin: germline.
Comment: This sequence change replaces serine, which is neutral and polar, with proline, which is neutral and non-polar, at codon 280 of the FANCC protein (p.Ser280Pro). This variant is not present in population databases (gnomAD no frequency). This variant has not been reported in the literature in individuals affected with FANCC-related conditions. ClinVar contains an entry for this variant (Variation ID: 648819). Advanced modeling of protein sequence and biophysical properties (such as structural, functional, and spatial information, amino acid conservation, physicochemical variation, residue mobility, and thermodynamic stability) performed at Invitae indicates that this missense variant is not expected to disrupt FANCC protein function with a negative predictive value of 80%. In summary, the available evidence is currently insufficient to determine the role of this variant in disease. Therefore, it has been classified as a Variant of Uncertain Significance.

Ambry Genetics
Classification: Uncertain significance for Hereditary cancer-predisposing syndrome. Last evaluated: 2020-01-10. Review status: criteria provided, single submitter. Criteria: Ambry Variant Classification Scheme 2023. Collection method: clinical testing. Allele origin: germline.
Comment: The p.S280P variant (also known as c.838T>C), located in coding exon 7 of the FANCC gene, results from a T to C substitution at nucleotide position 838. The serine at codon 280 is replaced by proline, an amino acid with similar properties. This amino acid position is poorly conserved in available vertebrate species. In addition, this alteration is predicted to be tolerated by in silico analysis. Since supporting evidence is limited at this time, the clinical significance of this alteration remains unclear.

NM_000136.3(FANCC):c.838T>C (p.Ser280Pro)

Genes: AOPEP (aminopeptidase O (putative); plus strand), FANCC (FA complementation group C; minus strand). Cytogenetic location: 9q22.32.
Variant type: single nucleotide variant.
Coding change: c.838T>C on transcript NM_000136.3 (MANE Select); coding-DNA position 838, T replaced by C.
Protein change: p.Ser280Pro; replaces serine 280 with proline.
Molecular consequence: missense variant.
Genome position (GRCh38, 1-based): chr9:95,135,351, A>G on the plus strand (T>C on the coding strand, the complement: FANCC is on the minus strand). VCF-style: chr9-95135351-A-G. GRCh37 (hg19) VCF-style: chr9-97897633-A-G.
Other names: c.838T>C, p.Ser280Pro (NM_001243743.2, NM_001243744.2); short protein forms S280P.
Identifiers: ClinVar variation 648819 (VCV000648819.11), dbSNP rs1588134159, ClinGen allele CA374109177.